The following is an entry in ClinVar:

NM_005529.7(HSPG2):c.8323G>A (p.Gly2775Ser)

Gene: HSPG2 (heparan sulfate proteoglycan 2; minus strand). Cytogenetic location: 1p36.12.
Variant type: single nucleotide variant.
Coding change: c.8323G>A on transcript NM_005529.7 (MANE Select); coding-DNA position 8323, G replaced by A.
Protein change: p.Gly2775Ser; replaces glycine 2775 with serine.
Molecular consequence: missense variant.
Genome position (GRCh38, 1-based): chr1:21,846,249, C>T on the plus strand (G>A on the coding strand, the complement: HSPG2 is on the minus strand). VCF-style: chr1-21846249-C-T. GRCh37 (hg19) VCF-style: chr1-22172742-C-T.
Other names: NC_000001.10:g.22172742C>T; c.8326G>A, p.Gly2776Ser (NM_001291860.2); short protein forms G2775S, G2776S.
Identifiers: ClinVar variation 1309650 (VCV001309650.4), dbSNP rs1162899719, ClinGen allele CA338918908.

ClinVar aggregate classification (germline): Uncertain significance (1 of 4 stars; one submission).

Allele frequency attached by ClinVar (database versions not stated): gnomAD exomes below 0.00001 and 0.00001; TOPMed below 0.00001; gnomAD 0.00001.
gnomAD v4.1: 8 of 1,612,944 alleles (0.0005%); highest among the groups gnomAD compares: African/African-American, 0.0027%; no homozygotes.

Submissions (2):

GeneDx
Classification: Uncertain significance. Last evaluated: 2025-07-15. Review status: criteria provided, single submitter. Criteria: GeneDx Variant Classification Process June 2021. Collection method: clinical testing. Allele origin: germline. Affected: yes.
Comment: Has not been previously published as pathogenic or benign to our knowledge; Not observed at significant frequency in large population cohorts (gnomAD); In silico analysis supports that this missense variant has a deleterious effect on protein structure/function

Dr. Peter K. Rogan Lab, Western University
No classification provided (evidence only). Condition: Cervical cancer. Review status: no classification provided. Collection method: in vitro. Allele origin: not applicable. Functional consequence: retained intron. Not counted in ClinVar's aggregate classification.